The following is an entry in ClinVar:

ClinVar aggregate classification (germline): Likely pathogenic (1 of 4 stars; one submission).

Conditions:
Progressive familial intrahepatic cholestasis type 2. Identifiers: Orphanet 79304, MedGen C3489789, MONDO:0011156, OMIM 601847.

Submission:

Natera, Inc.
Classification: Likely pathogenic for Progressive familial intrahepatic cholestasis type 2. Last evaluated: 2024-11-05. Review status: criteria provided, single submitter. Criteria: Natera Variant Classification Schema (03/2026). Collection method: clinical testing. Allele origin: germline.
Comment: The c.1888G>T variant in ABCB11 is a nonsense variant predicted to introduce a stop codon at amino acid 630. This variant is expected to result in nonsense mediated decay, truncation, or a dysfunctional protein product. This variant is rare in the general population with a frequency below the threshold expected for the associated phenotype(s). Given the available evidence, this variant is classified as Likely Pathogenic.

NM_003742.4(ABCB11):c.1888G>T (p.Glu630Ter)

Gene: ABCB11 (ATP binding cassette subfamily B member 11; minus strand). Cytogenetic location: 2q31.1.
Variant type: single nucleotide variant.
Coding change: c.1888G>T on transcript NM_003742.4 (MANE Select); coding-DNA position 1888, G replaced by T.
Protein change: p.Glu630Ter; replaces glutamic acid 630 with a stop codon.
Molecular consequence: nonsense.
Genome position (GRCh38, 1-based): chr2:168,969,473, C>A on the plus strand (G>T on the coding strand, the complement: ABCB11 is on the minus strand). VCF-style: chr2-168969473-C-A. GRCh37 (hg19) VCF-style: chr2-169825983-C-A.
Other names: short protein forms E630*.
Identifiers: ClinVar variation 4815266 (VCV004815266.1).